The following is an entry in ClinVar:

NM_020223.4(FAM20C):c.874G>A (p.Glu292Lys)

Gene: FAM20C (FAM20C golgi associated secretory pathway kinase; plus strand). Cytogenetic location: 7p22.3.
Variant type: single nucleotide variant.
Coding change: c.874G>A on transcript NM_020223.4 (MANE Select); coding-DNA position 874, G replaced by A.
Protein change: p.Glu292Lys; replaces glutamic acid 292 with lysine.
Molecular consequence: missense variant.
Genome position (GRCh38, 1-based): chr7:246,425, G>A. VCF-style: chr7-246425-G-A. GRCh37 (hg19) VCF-style: chr7-286391-G-A.
Other names: c.874G>A (NM_020223.2); short protein forms E292K.
Identifiers: ClinVar variation 1898223 (VCV001898223.5), dbSNP rs1047709545, ClinGen allele CA152271027.

ClinVar aggregate classification (germline): Uncertain significance. Review status: criteria provided, multiple submitters, no conflicts (2 of 4 stars). 2 submissions from 2 submitters: Uncertain significance (2). Last evaluated 2023-12-14.

Conditions:
Inborn genetic diseases. Identifiers: MedGen C0950123, MeSH D030342.

Allele frequency attached by ClinVar (database versions not stated): gnomAD 0.00003; TOPMed 0.00003.
gnomAD v4.1: 93 of 1,417,916 alleles (0.0066%); highest among the groups gnomAD compares: Non-Finnish European, 0.0082%; no homozygotes.

Submissions (2):

Ambry Genetics
Classification: Uncertain significance for Inborn genetic diseases. Last evaluated: 2023-12-14. Review status: criteria provided, single submitter. Criteria: Ambry Variant Classification Scheme 2023. Collection method: clinical testing. Allele origin: germline.

Labcorp Genetics (formerly Invitae), Labcorp
Classification: Uncertain significance. Last evaluated: 2022-03-31. Review status: criteria provided, single submitter. Criteria: Invitae Variant Classification Sherloc (09022015). Collection method: clinical testing. Allele origin: germline.
Comment: This sequence change replaces glutamic acid, which is acidic and polar, with lysine, which is basic and polar, at codon 292 of the FAM20C protein (p.Glu292Lys). In summary, the available evidence is currently insufficient to determine the role of this variant in disease. Therefore, it has been classified as a Variant of Uncertain Significance. Algorithms developed to predict the effect of missense changes on protein structure and function are either unavailable or do not agree on the potential impact of this missense change (SIFT: "Deleterious"; PolyPhen-2: "Benign"; Align-GVGD: "Class C0"). This variant has not been reported in the literature in individuals affected with FAM20C-related conditions. The frequency data for this variant in the population databases is considered unreliable, as metrics indicate poor data quality at this position in the gnomAD database.